The following is an entry in ClinVar:

NM_000094.4(COL7A1):c.7069-3T>A

Gene: COL7A1 (collagen type VII alpha 1 chain; minus strand). Cytogenetic location: 3p21.31.
Variant type: single nucleotide variant.
Coding change: c.7069-3T>A on transcript NM_000094.4 (MANE Select); 3 bases into the intron before coding-DNA position 7069, T replaced by A.
Molecular consequence: intron variant.
Genome position (GRCh38, 1-based): chr3:48,571,281, A>T on the plus strand (T>A on the coding strand, the complement: COL7A1 is on the minus strand). VCF-style: chr3-48571281-A-T. GRCh37 (hg19) VCF-style: chr3-48608714-A-T.
Identifiers: ClinVar variation 1522828 (VCV001522828.6), dbSNP rs2043901711, ClinGen allele CA2573137122.

ClinVar aggregate classification (germline): Uncertain significance (1 of 4 stars; one submission).

Submission:

Labcorp Genetics (formerly Invitae), Labcorp
Classification: Uncertain significance. Last evaluated: 2022-01-04. Review status: criteria provided, single submitter. Criteria: Invitae Variant Classification Sherloc (09022015). Collection method: clinical testing. Allele origin: germline.
Comment: In summary, the available evidence is currently insufficient to determine the role of this variant in disease. Therefore, it has been classified as a Variant of Uncertain Significance. Variants that disrupt the consensus splice site are a relatively common cause of aberrant splicing (PMID: 17576681, 9536098). Algorithms developed to predict the effect of sequence changes on RNA splicing suggest that this variant may disrupt the consensus splice site. This variant has not been reported in the literature in individuals affected with COL7A1-related conditions. This variant is not present in population databases (gnomAD no frequency). This sequence change falls in intron 91 of the COL7A1 gene. It does not directly change the encoded amino acid sequence of the COL7A1 protein. It affects a nucleotide within the consensus splice site.

Literature cited by the submitters: PubMed 17576681; PubMed 9536098.